The following is an entry in ClinVar:

NM_003924.4(PHOX2B):c.267C>A (p.His89Gln)

Gene: PHOX2B (paired like homeobox 2B; minus strand). Cytogenetic location: 4p13.
Variant type: single nucleotide variant.
Coding change: c.267C>A on transcript NM_003924.4 (MANE Select); coding-DNA position 267, C replaced by A.
Protein change: p.His89Gln; replaces histidine 89 with glutamine.
Molecular consequence: missense variant.
Genome position (GRCh38, 1-based): chr4:41,747,511, G>T on the plus strand (C>A on the coding strand, the complement: PHOX2B is on the minus strand). VCF-style: chr4-41747511-G-T. GRCh37 (hg19) VCF-style: chr4-41749528-G-T.
Other names: short protein forms H89Q.
Identifiers: ClinVar variation 4136079 (VCV004136079.1).
Genomic context (GRCh38, chr4:41,747,511, plus strand): 5'-CTGGGCACTGGTGAAAGTGGTGCGGATGCGCCGCTGCTTGCGCTTCTCGTTGAGGCCGCC[G>T]TGGTCCGTGAAGAGTTTGTAAGGAACTAGAGTATGACAGAGGAGACAGAAAGTGAGCAAA-3'
Protein context (NP_003915.2, residues 79-99): AAVPYKLFTD[His89Gln]GGLNEKRKQR

ClinVar aggregate classification (germline): Uncertain significance (1 of 4 stars; one submission).

Conditions:
Hereditary cancer-predisposing syndrome. Also called: Hereditary neoplastic syndrome; Neoplastic Syndromes, Hereditary; Tumor predisposition; Hereditary Cancer Syndrome. Identifiers: Orphanet 140162, MedGen C0027672, MeSH D009386, MONDO:0015356.

Submission:

Ambry Genetics
Classification: Uncertain significance for Hereditary cancer-predisposing syndrome. Last evaluated: 2025-07-22. Review status: criteria provided, single submitter. Criteria: Ambry Variant Classification Scheme 2023. Collection method: clinical testing. Allele origin: germline.
Comment: The p.H89Q variant (also known as c.267C>A), located in coding exon 2 of the PHOX2B gene, results from a C to A substitution at nucleotide position 267. The histidine at codon 89 is replaced by glutamine, an amino acid with highly similar properties. This amino acid position is highly conserved in available vertebrate species. In addition, the in silico prediction for this alteration is inconclusive. Based on the available evidence, the clinical significance of this variant remains unclear.